The following is an entry in ClinVar:

NM_018249.6(CDK5RAP2):c.2136G>A (p.Thr712=)

Gene: CDK5RAP2 (CDK5 regulatory subunit associated protein 2; minus strand). Cytogenetic location: 9q33.2.
Variant type: single nucleotide variant.
Coding change: c.2136G>A on transcript NM_018249.6 (MANE Select); coding-DNA position 2136, G replaced by A.
Protein change: p.Thr712=; no amino-acid change (threonine 712 retained).
Molecular consequence: synonymous variant. On other transcripts: non-coding transcript variant (5), intron variant (3).
Genome position (GRCh38, 1-based): chr9:120,460,638, C>T on the plus strand (G>A on the coding strand, the complement: CDK5RAP2 is on the minus strand). VCF-style: chr9-120460638-C-T. GRCh37 (hg19) VCF-style: chr9-123222916-C-T.
Other names: c.2136G>A, p.Thr712= (NM_001011649.3); c.2133G>A, p.Thr711= (NM_001410994.1); c.2103+7222G>A (NM_001272039.2); c.2104-2016G>A (NM_001410992.1); c.2107-2016G>A (NM_001410993.1).
Identifiers: ClinVar variation 3696894 (VCV003696894.8).

ClinVar aggregate classification (germline): Likely benign. Review status: criteria provided, multiple submitters, no conflicts (2 of 4 stars). 2 submissions from 2 submitters: Likely benign (2). Last evaluated 2025-11-01.

gnomAD v4.1: 53 of 1,613,962 alleles (0.0033%); highest among the groups gnomAD compares: East Asian, 0.0045%; no homozygotes.

Submissions (2):

CeGaT Center for Human Genetics Tuebingen
Classification: Likely benign. Last evaluated: 2025-11-01. Review status: criteria provided, single submitter. Criteria: CeGaT Center For Human Genetics Tuebingen Variant Classification Criteria Version 2. Collection method: clinical testing. Allele origin: germline. Affected: yes. Observed: 1 variant allele.
Comment: CDK5RAP2: BP4, BP7

Labcorp Genetics (formerly Invitae), Labcorp
Classification: Likely benign. Last evaluated: 2024-06-05. Review status: criteria provided, single submitter. Criteria: Invitae Variant Classification Sherloc (09022015). Collection method: clinical testing. Allele origin: germline.